The following is an entry in ClinVar:

NM_033419.5(PGAP3):c.845A>G (p.Asp282Gly)

Gene: PGAP3 (post-GPI attachment to proteins phospholipase 3; minus strand). Cytogenetic location: 17q12.
Variant type: single nucleotide variant.
Coding change: c.845A>G on transcript NM_033419.5 (MANE Select); coding-DNA position 845, A replaced by G.
Protein change: p.Asp282Gly; replaces aspartic acid 282 with glycine.
Molecular consequence: missense variant. On other transcripts: intron variant (3).
Genome position (GRCh38, 1-based): chr17:39,673,105, T>C on the plus strand (A>G on the coding strand, the complement: PGAP3 is on the minus strand). VCF-style: chr17-39673105-T-C. GRCh37 (hg19) VCF-style: chr17-37829358-T-C.
Other names: c.692A>G, p.Asp231Gly (NM_001291726.2); c.782A>G, p.Asp261Gly (NM_001291728.2); c.433-239A>G (NM_001291733.2); c.495-239A>G (NM_001291732.2); c.558-239A>G (NM_001291730.2); short protein forms D282G, D261G, D231G.
Identifiers: ClinVar variation 224644 (VCV000224644.3), dbSNP rs869312814, ClinGen allele CA353575.
Genomic context (GRCh38, chr17:39,673,105, plus strand): 5'-ACCCACCTGAAAAAGAGGACGTGGACAGGGATGGTGCTGATGTGCCAGATGGCATGGGCA[T>C]CCAGGACCCAGAAGAGCGGTGGGAAGTCAAGCAGCTCGAGCAGGGACAGCCCCTGCAGCA-3'
Protein context (NP_219487.3, residues 272-292): LDFPPLFWVL[Asp282Gly]AHAIWHISTI

ClinVar aggregate classification (germline): Pathogenic. Review status: criteria provided, single submitter (1 of 4 stars). 2 submissions from 2 submitters: Pathogenic (1). 1 of the submissions does not count toward it. Last evaluated 2016-10-04.

Conditions:
Hyperphosphatasia with impaired intellectual development syndrome 4. Also called: GLYCOSYLPHOSPHATIDYLINOSITOL BIOSYNTHESIS DEFECT 10; Hyperphosphatasia with intellectual disability syndrome 4. Identifiers: Orphanet 247262, MedGen C3810354, MONDO:0014318, OMIM 615716.

Submissions (2):

Equipe Genetique des Anomalies du Developpement, Université de Bourgogne
Classification: Pathogenic for Hyperphosphatasia with impaired intellectual development syndrome 4. Last evaluated: 2016-10-04. Review status: criteria provided, single submitter. Criteria: ACMG Guidelines, 2015. Collection method: clinical testing. Allele origin: unknown. Affected: yes.

Institute for Medical Genetics and Human Genetics, Charité - Universitätsmedizin Berlin
Classification: Pathogenic for Hyperphosphatasia with impaired intellectual development syndrome 4. Last evaluated: 2016-03-01. Review status: no assertion criteria provided. Collection method: research. Allele origin: germline. Affected: yes. Not counted in ClinVar's aggregate classification.
Comment: Disease causing variant in homozygous or compound heterozygous state